The following is an entry in ClinVar:

ClinVar aggregate classification (germline): Uncertain significance (1 of 4 stars; one submission).

Conditions:
Hereditary cancer-predisposing syndrome. Also called: Neoplastic Syndromes, Hereditary; Tumor predisposition; Hereditary Cancer Syndrome; Hereditary neoplastic syndrome. Identifiers: Orphanet 140162, MedGen C0027672, MeSH D009386, MONDO:0015356.

Submission:

Ambry Genetics
Classification: Uncertain significance for Hereditary cancer-predisposing syndrome. Last evaluated: 2025-06-21. Review status: criteria provided, single submitter. Criteria: Ambry Variant Classification Scheme 2023. Collection method: clinical testing. Allele origin: germline.
Comment: The p.D954V variant (also known as c.2861A>T), located in coding exon 14 of the BLM gene, results from an A to T substitution at nucleotide position 2861. The aspartic acid at codon 954 is replaced by valine, an amino acid with highly dissimilar properties. This amino acid position is conserved. In addition, this alteration is predicted to be deleterious by in silico analysis. Based on the available evidence, the clinical significance of this variant remains unclear.

NM_000057.4(BLM):c.2861A>T (p.Asp954Val)

Gene: BLM (BLM RecQ like helicase; plus strand). Cytogenetic location: 15q26.1.
Variant type: single nucleotide variant.
Coding change: c.2861A>T on transcript NM_000057.4 (MANE Select); coding-DNA position 2861, A replaced by T.
Protein change: p.Asp954Val; replaces aspartic acid 954 with valine.
Molecular consequence: missense variant.
Genome position (GRCh38, 1-based): chr15:90,790,686, A>T. VCF-style: chr15-90790686-A-T. GRCh37 (hg19) VCF-style: chr15-91333916-A-T.
Other names: c.2861A>T, p.Asp954Val (NM_001287246.2, NM_001287247.2); c.1736A>T, p.Asp579Val (NM_001287248.2); short protein forms D579V, D954V.
Identifiers: ClinVar variation 4211581 (VCV004211581.1).